The following is an entry in ClinVar:

ClinVar aggregate classification (germline): Uncertain significance (1 of 4 stars; one submission).

Conditions:
Hyperphosphatasia with impaired intellectual development syndrome 2. Also called: Hyperphosphatasia with intellectual disability syndrome 2; GLYCOSYLPHOSPHATIDYLINOSITOL BIOSYNTHESIS DEFECT 6. Identifiers: Orphanet 247262, MedGen C3553637, MONDO:0013882, OMIM 614749.

Allele frequency attached by ClinVar (database versions not stated): gnomAD 0.00001; TOPMed 0.00002.
gnomAD v4.1: 7 of 1,614,052 alleles (0.00043%); highest among the groups gnomAD compares: Admixed American, 0.005%; no homozygotes.

Submission:

Labcorp Genetics (formerly Invitae), Labcorp
Classification: Uncertain significance for Hyperphosphatasia with impaired intellectual development syndrome 2. Last evaluated: 2022-08-09. Review status: criteria provided, single submitter. Criteria: Invitae Variant Classification Sherloc (09022015). Collection method: clinical testing. Allele origin: germline.
Comment: Algorithms developed to predict the effect of missense changes on protein structure and function are either unavailable or do not agree on the potential impact of this missense change (SIFT: "Deleterious"; PolyPhen-2: "Probably Damaging"; Align-GVGD: "Class C0"). ClinVar contains an entry for this variant (Variation ID: 648613). This variant has not been reported in the literature in individuals affected with PIGO-related conditions. This variant is not present in population databases (gnomAD no frequency). This sequence change replaces leucine, which is neutral and non-polar, with proline, which is neutral and non-polar, at codon 677 of the PIGO protein (p.Leu677Pro). In summary, the available evidence is currently insufficient to determine the role of this variant in disease. Therefore, it has been classified as a Variant of Uncertain Significance.

NM_032634.4(PIGO):c.2030T>C (p.Leu677Pro)

Gene: PIGO (phosphatidylinositol glycan anchor biosynthesis class O; minus strand). Cytogenetic location: 9p13.3.
Variant type: single nucleotide variant.
Coding change: c.2030T>C on transcript NM_032634.4 (MANE Select); coding-DNA position 2030, T replaced by C.
Protein change: p.Leu677Pro; replaces leucine 677 with proline.
Molecular consequence: missense variant. On other transcripts: intron variant (2).
Genome position (GRCh38, 1-based): chr9:35,091,857, A>G on the plus strand (T>C on the coding strand, the complement: PIGO is on the minus strand). VCF-style: chr9-35091857-A-G. GRCh37 (hg19) VCF-style: chr9-35091854-A-G.
Other names: c.1345-566T>C (NM_152850.4, NM_001201484.2); short protein forms L677P.
Identifiers: ClinVar variation 648613 (VCV000648613.7), dbSNP rs1587164392, ClinGen allele CA373320922.